The following is an entry in ClinVar:

ClinVar aggregate classification (germline): Uncertain significance (1 of 4 stars; one submission).

Conditions:
Intellectual developmental disorder with short stature and variable skeletal anomalies. Identifiers: MedGen C5193105, MONDO:0032759, OMIM 618453.

Submission:

Laboratorio de Genetica e Diagnostico Molecular, Hospital Israelita Albert Einstein
Classification: Uncertain significance for Intellectual developmental disorder with short stature and variable skeletal anomalies. Last evaluated: 2025-05-17. Review status: criteria provided, single submitter. Criteria: ACMG Guidelines, 2015. Collection method: clinical testing. Allele origin: germline. Affected: yes.
Comment: ACMG classification criteria: PM2 supporting, PP3 supporting

NM_015610.4(WIPI2):c.640G>A (p.Gly214Arg)

Gene: WIPI2 (WD repeat domain, phosphoinositide interacting 2; plus strand). Cytogenetic location: 7p22.1.
Variant type: single nucleotide variant.
Coding change: c.640G>A on transcript NM_015610.4 (MANE Select); coding-DNA position 640, G replaced by A.
Protein change: p.Gly214Arg; replaces glycine 214 with arginine.
Molecular consequence: missense variant.
Genome position (GRCh38, 1-based): chr7:5,217,985, G>A. VCF-style: chr7-5217985-G-A. GRCh37 (hg19) VCF-style: chr7-5257616-G-A.
Other names: c.640G>A, p.Gly214Arg (NM_001033518.2); c.586G>A, p.Gly196Arg (NM_001033519.2, NM_016003.4); c.463G>A, p.Gly155Arg (NM_001033520.1); c.208G>A, p.Gly70Arg (NM_001278299.2); short protein forms G155R, G196R, G214R, G70R.
Identifiers: ClinVar variation 4076326 (VCV004076326.1).